The following is an entry in ClinVar:

ClinVar aggregate classification (germline): Uncertain significance (1 of 4 stars; one submission).

Conditions:
Andersen Tawil syndrome (LQT7). Also called: Andersen Syndrome; ANDERSEN CARDIODYSRHYTHMIC PERIODIC PARALYSIS; Potassium-sensitive periodic paralysis, ventricular ectopy, and dysmorphic features; LONG QT SYNDROME 7; PERIODIC PARALYSIS, POTASSIUM-SENSITIVE CARDIODYSRHYTHMIC TYPE. Identifiers: Orphanet 37553, MedGen C1563715, MONDO:0008222, OMIM 170390.
Short QT syndrome type 3. Identifiers: Orphanet 51083, MedGen C1865018, MONDO:0012314, OMIM 609622.

Submission:

Labcorp Genetics (formerly Invitae), Labcorp
Classification: Uncertain significance for Short QT syndrome type 3; Andersen Tawil syndrome. Last evaluated: 2022-09-21. Review status: criteria provided, single submitter. Criteria: Invitae Variant Classification Sherloc (09022015). Collection method: clinical testing. Allele origin: germline.
Comment: In summary, the available evidence is currently insufficient to determine the role of this variant in disease. Therefore, it has been classified as a Variant of Uncertain Significance. Advanced modeling of protein sequence and biophysical properties (such as structural, functional, and spatial information, amino acid conservation, physicochemical variation, residue mobility, and thermodynamic stability) performed at Invitae indicates that this missense variant is not expected to disrupt KCNJ2 protein function. This variant has not been reported in the literature in individuals affected with KCNJ2-related conditions. This variant is not present in population databases (gnomAD no frequency). This sequence change replaces valine, which is neutral and non-polar, with phenylalanine, which is neutral and non-polar, at codon 194 of the KCNJ2 protein (p.Val194Phe).

NM_000891.3(KCNJ2):c.580G>T (p.Val194Phe)

Gene: KCNJ2 (potassium inwardly rectifying channel subfamily J member 2; plus strand). Cytogenetic location: 17q24.3.
Variant type: single nucleotide variant.
Coding change: c.580G>T on transcript NM_000891.3 (MANE Select); coding-DNA position 580, G replaced by T.
Protein change: p.Val194Phe; replaces valine 194 with phenylalanine.
Molecular consequence: missense variant.
Genome position (GRCh38, 1-based): chr17:70,175,619, G>T. VCF-style: chr17-70175619-G-T. GRCh37 (hg19) VCF-style: chr17-68171760-G-T.
Other names: short protein forms V194F.
Identifiers: ClinVar variation 1719995 (VCV001719995.5), dbSNP rs2509921207, ClinGen allele CA400861103.